The following is an entry in ClinVar:

ClinVar aggregate classification (germline): Conflicting classifications of pathogenicity. Review status: criteria provided, conflicting classifications (1 of 4 stars). 3 submissions from 3 submitters: Uncertain significance (1); Likely benign (2). Last evaluated 2023-01-16.

Conditions:
Hereditary cancer-predisposing syndrome. Also called: Neoplastic Syndromes, Hereditary; Hereditary Cancer Syndrome; Hereditary neoplastic syndrome; Tumor predisposition. Identifiers: Orphanet 140162, MedGen C0027672, MeSH D009386, MONDO:0015356.
Microcephaly, normal intelligence and immunodeficiency (NBS). Also called: Nijmegen breakage syndrome; Microcephaly with normal intelligence immunodeficiency and lymphoreticular malignancies; Nonsyndromal microcephaly autosomal recessive with normal intelligence; Seemanova syndrome 2; SEEMANOVA SYNDROME II; Immunodeficiency, microcephaly with normal intelligence. Identifiers: Orphanet 647, MedGen C0398791, MONDO:0009623, OMIM 251260.

Allele frequency attached by ClinVar (database versions not stated): gnomAD exomes below 0.00001.
gnomAD v4.1: 1 of 1,613,656 alleles (0.000062%); highest among the groups gnomAD compares: South Asian, 0.0011%; no homozygotes.

Submissions (3):

Quest Diagnostics Nichols Institute San Juan Capistrano
Classification: Uncertain significance. Last evaluated: 2023-01-16. Review status: criteria provided, single submitter. Criteria: Quest Diagnostics criteria. Collection method: clinical testing. Allele origin: unknown.
Comment: To the best of our knowledge, the variant has not been reported in the published literature. It also has not been reported in large, multi-ethnic general populations. Analysis of this variant using software algorithms for the prediction of the effect of nucleotide changes on splicing yielded predictions that this variant does not affect NBN mRNA splicing . Based on the available information, we are unable to determine the clinical significance of this variant.

Labcorp Genetics (formerly Invitae), Labcorp
Classification: Likely benign for Microcephaly, normal intelligence and immunodeficiency. Last evaluated: 2021-08-03. Review status: criteria provided, single submitter. Criteria: Invitae Variant Classification Sherloc (09022015). Collection method: clinical testing. Allele origin: germline.

Ambry Genetics
Classification: Likely benign for Hereditary cancer-predisposing syndrome. Last evaluated: 2015-12-02. Review status: criteria provided, single submitter. Criteria: Ambry Variant Classification Scheme 2023. Collection method: clinical testing. Allele origin: germline.

NM_002485.5(NBN):c.1191A>G (p.Ser397=)

Gene: NBN (nibrin; minus strand). Cytogenetic location: 8q21.3.
Variant type: single nucleotide variant.
Coding change: c.1191A>G on transcript NM_002485.5 (MANE Select); coding-DNA position 1191, A replaced by G.
Protein change: p.Ser397=; no amino-acid change (serine 397 retained).
Molecular consequence: synonymous variant.
Genome position (GRCh38, 1-based): chr8:89,955,489, T>C on the plus strand (A>G on the coding strand, the complement: NBN is on the minus strand). VCF-style: chr8-89955489-T-C. GRCh37 (hg19) VCF-style: chr8-90967717-T-C.
Other names: c.945A>G, p.Ser315= (NM_001024688.3).
Identifiers: ClinVar variation 1121649 (VCV001121649.12), dbSNP rs2129721280, ClinGen allele CA462115028.